The following is an entry in ClinVar:

ClinVar aggregate classification (germline): Conflicting classifications of pathogenicity. Review status: criteria provided, conflicting classifications (1 of 4 stars). 4 submissions from 4 submitters: Uncertain significance (1); Likely benign (3). Last evaluated 2025-10-29.

Conditions:
TTN-related disorder. Also called: TTN-related condition; TTN-related disease; TTN-related disorders.
Cardiovascular phenotype. Identifiers: MedGen CN230736.
Autosomal recessive limb-girdle muscular dystrophy type 2J (LGMDR10). Also called: Limb-girdle muscular dystrophy, type 2J; MUSCULAR DYSTROPHY, LIMB-GIRDLE, AUTOSOMAL RECESSIVE 10. Identifiers: Orphanet 140922, MedGen C1837342, MONDO:0012127, OMIM 608807.
Dilated cardiomyopathy 1G (CMD1G). Identifiers: Orphanet 154, MedGen C1858763, MONDO:0011400, OMIM 604145.

Allele frequency attached by ClinVar (database versions not stated): gnomAD exomes 0.00001; ExAC 0.00002; TOPMed 0.00011; gnomAD 0.00012 and 0.00013.
gnomAD v4.1: 29 of 1,613,010 alleles (0.0018%); highest among the groups gnomAD compares: African/African-American, 0.031%; no homozygotes.

Submissions (4):

PreventionGenetics, part of Exact Sciences
Classification: Likely benign for TTN-related condition. Last evaluated: 2025-10-29. Review status: criteria provided, single submitter. Criteria: ACMG Guidelines, 2015. Collection method: clinical testing. Allele origin: germline.
Comment: This variant is classified as likely benign based on ACMG/AMP sequence variant interpretation guidelines (Richards et al. 2015 PMID: 25741868, with internal and published modifications).

Labcorp Genetics (formerly Invitae), Labcorp
Classification: Likely benign for Dilated cardiomyopathy 1G; Autosomal recessive limb-girdle muscular dystrophy type 2J. Last evaluated: 2025-09-01. Review status: criteria provided, single submitter. Criteria: Invitae Variant Classification Sherloc (09022015). Collection method: clinical testing. Allele origin: germline.

Ambry Genetics
Classification: Likely benign for Cardiovascular phenotype. Last evaluated: 2021-04-22. Review status: criteria provided, single submitter. Criteria: Ambry Variant Classification Scheme 2023. Collection method: clinical testing. Allele origin: germline.

Revvity Omics, Revvity
Classification: Uncertain significance. Last evaluated: 2019-05-30. Review status: criteria provided, single submitter. Criteria: ACMG Guidelines, 2015. Collection method: clinical testing. Allele origin: germline.

NM_001267550.2(TTN):c.95082C>T (p.Ser31694=)

Genes: TTN (titin; minus strand), TTN-AS1 (TTN antisense RNA 1; plus strand). Cytogenetic location: 2q31.2.
Variant type: single nucleotide variant.
Coding change: c.95082C>T on transcript NM_001267550.2 (MANE Select); coding-DNA position 95082, C replaced by T.
Protein change: p.Ser31694=; no amino-acid change (serine 31694 retained).
Molecular consequence: synonymous variant.
Genome position (GRCh38, 1-based): chr2:178,546,249, G>A on the plus strand (C>T on the coding strand, the complement: TTN is on the minus strand). VCF-style: chr2-178546249-G-A. GRCh37 (hg19) VCF-style: chr2-179410976-G-A.
Other names: c.90159C>T, p.Ser30053= (NM_001256850.1); c.67887C>T, p.Ser22629= (NM_003319.4); c.87378C>T, p.Ser29126= (NM_133378.4); c.68262C>T, p.Ser22754= (NM_133432.3); c.68463C>T, p.Ser22821= (NM_133437.4).
Identifiers: ClinVar variation 1133385 (VCV001133385.14), dbSNP rs776679937, ClinGen allele CA1987024.